The following is an entry in ClinVar:

NM_017852.5(NLRP2):c.811G>A (p.Asp271Asn)

Gene: NLRP2 (NLR family pyrin domain containing 2; plus strand). Cytogenetic location: 19q13.42.
Variant type: single nucleotide variant.
Coding change: c.811G>A on transcript NM_017852.5 (MANE Select); coding-DNA position 811, G replaced by A.
Protein change: p.Asp271Asn; replaces aspartic acid 271 with asparagine.
Molecular consequence: missense variant. On other transcripts: non-coding transcript variant (1).
Genome position (GRCh38, 1-based): chr19:54,982,509, G>A. VCF-style: chr19-54982509-G-A. GRCh37 (hg19) VCF-style: chr19-55493877-G-A.
Other names: c.811G>A, p.Asp271Asn (NM_001174081.3); c.745G>A, p.Asp249Asn (NM_001174082.3); c.742G>A, p.Asp248Asn (NM_001174083.2); c.802G>A, p.Asp268Asn (NM_001348003.2); short protein forms D248N, D249N, D268N, D271N.
Identifiers: ClinVar variation 3046040 (VCV003046040.12), dbSNP rs555603201, ClinGen allele CA310103057.

ClinVar aggregate classification (germline): Likely benign. Review status: criteria provided, single submitter (1 of 4 stars). 2 submissions from 2 submitters: Likely benign (1). 1 of the submissions does not count toward it. Last evaluated 2025-06-01.

Conditions:
NLRP2-related disorder. Also called: NLRP2-related condition.

Allele frequency attached by ClinVar (database versions not stated): TOPMed 0.00002; gnomAD 0.00011; gnomAD exomes 0.00011; ExAC 0.00034; 1000 Genomes Project 30x 0.00156; 1000 Genomes Project 0.00160.
gnomAD v4.1: 183 of 1,614,204 alleles (0.011%); highest among the groups gnomAD compares: South Asian, 0.19%; 4 homozygotes.

Submissions (2):

CeGaT Center for Human Genetics Tuebingen
Classification: Likely benign. Last evaluated: 2025-06-01. Review status: criteria provided, single submitter. Criteria: CeGaT Center For Human Genetics Tuebingen Variant Classification Criteria Version 2. Collection method: clinical testing. Allele origin: germline. Affected: yes. Observed: 1 variant allele.
Comment: NLRP2: BS2

PreventionGenetics, part of Exact Sciences
Classification: Likely benign for NLRP2-related condition. Last evaluated: 2020-04-24. Review status: no assertion criteria provided. Collection method: clinical testing. Allele origin: germline. Not counted in ClinVar's aggregate classification.
Comment: This variant is classified as likely benign based on ACMG/AMP sequence variant interpretation guidelines (Richards et al. 2015 PMID: 25741868, with internal and published modifications).